The following is an entry in ClinVar:

NM_000238.4(KCNH2):c.1711A>C (p.Ile571Leu)

Gene: KCNH2 (potassium voltage-gated channel subfamily H member 2; minus strand). Cytogenetic location: 7q36.1.
Variant type: single nucleotide variant.
Coding change: c.1711A>C on transcript NM_000238.4 (MANE Select); coding-DNA position 1711, A replaced by C.
Protein change: p.Ile571Leu; replaces isoleucine 571 with leucine.
Molecular consequence: missense variant.
Genome position (GRCh38, 1-based): chr7:150,951,682, T>G on the plus strand (A>C on the coding strand, the complement: KCNH2 is on the minus strand). VCF-style: chr7-150951682-T-G. GRCh37 (hg19) VCF-style: chr7-150648770-T-G.
Other names: c.1711A>C (LRG_288t1); c.691A>C, p.Ile231Leu (NM_001204798.2, NM_172057.3); c.1423A>C, p.Ile475Leu (NM_001406753.1, NM_001406756.1); c.1534A>C, p.Ile512Leu (NM_001406755.1); c.1411A>C, p.Ile471Leu (NM_001406757.1); c.1711A>C, p.Ile571Leu (NM_172056.3); short protein forms I231L, I571L, I512L, I475L, I471L.
Identifiers: ClinVar variation 67246 (VCV000067246.3), dbSNP rs199472928, ClinGen allele CA005228.

ClinVar aggregate classification (germline): not provided (0 of 4 stars; one submission).

Conditions:
Familial long QT syndrome (RWS). Also called: Congenital long QT syndrome; Romano-Ward syndrome; VENTRICULAR FIBRILLATION WITH PROLONGED QT INTERVAL. Identifiers: Orphanet 768, MedGen C1141890, MONDO:0019171.

Submission:

Cardiovascular Biomedical Research Unit, Royal Brompton & Harefield NHS Foundation Trust
No classification provided. Condition: Familial long QT syndrome. Review status: no classification provided. Collection method: literature only. Allele origin: germline.
Comment: This variant has been reported as associated with Long QT syndrome in the following publications (PMID:15840476;PMID:16432067). This is a literature report, and does not necessarily reflect the clinical interpretation of the Imperial College / Royal Brompton Cardiovascular Genetics laboratory.

Literature cited by the submitters: PubMed 15840476; PubMed 16432067; PubMed 22581653.